The following is an entry in ClinVar:

ClinVar aggregate classification (germline): Conflicting classifications of pathogenicity. Review status: criteria provided, conflicting classifications (1 of 4 stars). 6 submissions from 6 submitters: Uncertain significance (5); Likely benign (1). Last evaluated 2025-12-14.

Conditions:
Hereditary cancer-predisposing syndrome. Also called: Hereditary Cancer Syndrome; Neoplastic Syndromes, Hereditary; Tumor predisposition; Hereditary neoplastic syndrome. Identifiers: Orphanet 140162, MedGen C0027672, MeSH D009386, MONDO:0015356.
Breast-ovarian cancer, familial, susceptibility to, 2 (BROVCA2). Also called: BRCA2 Hereditary Breast and Ovarian Cancer. Identifiers: Orphanet 145, MedGen C2675520, MONDO:0012933, OMIM 612555. Disease mechanism: loss of function.
Hereditary breast ovarian cancer syndrome. Also called: Hereditary breast and/or ovarian cancer syndrome; BRCA1- and BRCA2-Associated Hereditary Breast and Ovarian Cancer; Hereditary breast and ovarian cancer syndrome (HBOC); Hereditary breast and ovarian cancer; Hereditary breast and ovarian cancer syndrome; Breast and ovarian cancer. Identifiers: Orphanet 145, MedGen C0677776, MeSH D061325, MONDO:0003582. Disease mechanism: loss of function.

gnomAD v4.1: 19 of 1,614,222 alleles (0.0012%); highest among the groups gnomAD compares: Admixed American, 0.005%; no homozygotes.

Submissions (6):

Labcorp Genetics (formerly Invitae), Labcorp
Classification: Uncertain significance for Hereditary breast ovarian cancer syndrome. Last evaluated: 2025-12-14. Review status: criteria provided, single submitter. Criteria: Invitae Variant Classification Sherloc (09022015). Collection method: clinical testing. Allele origin: germline.
Comment: This sequence change replaces arginine, which is basic and polar, with glycine, which is neutral and non-polar, at codon 2645 of the BRCA2 protein (p.Arg2645Gly). This variant is present in population databases (no rsID available, gnomAD 0.006%). This missense change has been observed in individual(s) with clinical features of BRCA2-related conditions (PMID: 22505045, 27356891, 32853339, 34597585, 38142462). ClinVar contains an entry for this variant (Variation ID: 230994). Invitae Evidence Modeling of protein sequence and biophysical properties (such as structural, functional, and spatial information, amino acid conservation, physicochemical variation, residue mobility, and thermodynamic stability) indicates that this missense variant is not expected to disrupt BRCA2 protein function with a negative predictive value of 95%. Experimental studies have shown that this missense change affects BRCA2 function (PMID: 38142462). RNA analysis performed to evaluate the impact of this missense change on mRNA splicing indicates it does not significantly alter splicing (PMID: 22505045; internal data). In summary, the available evidence is currently insufficient to determine the role of this variant in disease. Therefore, it has been classified as a Variant of Uncertain Significance.

All of Us Research Program, National Institutes of Health
Classification: Uncertain significance for Breast-ovarian cancer, familial, susceptibility to, 2. Last evaluated: 2023-12-13. Review status: criteria provided, single submitter. Criteria: ACMG Guidelines, 2015. Collection method: clinical testing. Allele origin: germline. Inheritance: Autosomal dominant inheritance. Observed: 2 variant alleles, 2 heterozygotes.
Comment: This missense variant replaces arginine with glycine at codon 2645 of the BRCA2 protein. Computational prediction is inconclusive regarding the impact of this variant on protein structure and function (internally defined REVEL score threshold 0.5 < inconclusive < 0.7, PMID: 27666373). To our knowledge, functional studies have not been reported for this variant. This variant has been reported in an individual affected with colorectal cancer (PMID: 27356891), an individual affected with prostate cancer (PMID: 32853339), and in a multifactorial analysis with family history, pathology and segregation likelihood ratios for pathogenicity of 0.24, 0.05, and 2.93, respectively (PMID: 34597585). This variant has been identified in 3/251304 chromosomes in the general population by the Genome Aggregation Database (gnomAD). The available evidence is insufficient to determine the role of this variant in disease conclusively. Therefore, this variant is classified as a Variant of Uncertain Significance.

This study involves interpretation of variants in research participants for the purpose of population health screening. Participant phenotype was not available at the time of variant classification. Additional details can be found in publication PMID: 35346344, PMCID: PMC8962531

Color Diagnostics, LLC DBA Color Health
Classification: Uncertain significance for Hereditary cancer-predisposing syndrome. Last evaluated: 2023-11-17. Review status: criteria provided, single submitter. Criteria: ACMG Guidelines, 2015. Collection method: clinical testing. Allele origin: germline.
Comment: This missense variant replaces arginine with glycine at codon 2645 of the BRCA2 protein. Computational prediction is inconclusive regarding the impact of this variant on protein structure and function (internally defined REVEL score threshold 0.5 < inconclusive < 0.7, PMID: 27666373). To our knowledge, functional studies have not been reported for this variant. This variant has been reported in an individual affected with colorectal cancer (PMID: 27356891), an individual affected with prostate cancer (PMID: 32853339), and in a multifactorial analysis with family history, pathology and segregation likelihood ratios for pathogenicity of 0.24, 0.05, and 2.93, respectively (PMID: 34597585). This variant has been identified in 3/251304 chromosomes in the general population by the Genome Aggregation Database (gnomAD). The available evidence is insufficient to determine the role of this variant in disease conclusively. Therefore, this variant is classified as a Variant of Uncertain Significance.

Women's Health and Genetics/Laboratory Corporation of America, LabCorp
Classification: Uncertain significance. Last evaluated: 2023-10-23. Review status: criteria provided, single submitter. Criteria: LabCorp Variant Classification Summary - May 2015. Collection method: clinical testing. Allele origin: germline.
Comment: Variant summary: BRCA2 c.7933A>G (p.Arg2645Gly) results in a non-conservative amino acid change located in the Breast cancer type 2 susceptibility protein, helical domain of the encoded protein sequence. Five of five in-silico tools predict a damaging effect of the variant on protein function. The variant allele was found at a frequency of 1.2e-05 in 254522 control chromosomes. The available data on variant occurrences in the general population are insufficient to allow any conclusion about variant significance. c.7933A>G has been reported in the literature in individuals affected with Hereditary Breast and/or Ovarian Cancer Syndrome (e.g. Caputo_2021), colorectal cancer (e.g. Dobbins_2016), or prostate cancer (e.g. Darst_2021) without strong evidence for causality. These report(s) do not provide unequivocal conclusions about association of the variant with Hereditary Breast And Ovarian Cancer Syndrome. To our knowledge, no experimental evidence demonstrating an impact on protein function has been reported. The following publications have been ascertained in the context of this evaluation (PMID: 22505045, 34597585, 32853339, 27356891, 35260348). Four submitters have cited clinical-significance assessments for this variant to ClinVar after 2014, classifying the variant as uncertain significance (n=3) or likely benign (n=1). Based on the evidence outlined above, the variant was classified as uncertain significance.

Ambry Genetics
Classification: Likely benign for Hereditary cancer-predisposing syndrome. Last evaluated: 2022-01-05. Review status: criteria provided, single submitter. Criteria: Ambry Variant Classification Scheme 2023. Collection method: clinical testing. Allele origin: germline.

Quest Diagnostics Nichols Institute San Juan Capistrano
Classification: Uncertain significance. Last evaluated: 2021-08-26. Review status: criteria provided, single submitter. Criteria: Quest Diagnostics criteria. Collection method: clinical testing. Allele origin: unknown.

Literature cited by the submitters: PubMed 22505045 (cited by 3 submitters); PubMed 27356891 (cited by 6 submitters); PubMed 32853339 (cited by 4 submitters); PubMed 34597585 (cited by 4 submitters); PubMed 38142462 (cited by Labcorp Genetics (formerly Invitae), Labcorp); PubMed 35260348 (cited by Women's Health and Genetics/Laboratory Corporation of America, LabCorp).

NM_000059.4(BRCA2):c.7933A>G (p.Arg2645Gly)

Gene: BRCA2 (BRCA2 DNA repair associated; plus strand). Cytogenetic location: 13q13.1.
Variant type: single nucleotide variant.
Coding change: c.7933A>G on transcript NM_000059.4 (MANE Select); coding-DNA position 7933, A replaced by G.
Protein change: p.Arg2645Gly; replaces arginine 2645 with glycine.
Molecular consequence: missense variant.
Genome position (GRCh38, 1-based): chr13:32,362,650, A>G. VCF-style: chr13-32362650-A-G. GRCh37 (hg19) VCF-style: chr13-32936787-A-G.
Other names: short protein forms R2645G.
Identifiers: ClinVar variation 230994 (VCV000230994.25), dbSNP rs876658889, ClinGen allele CA10579761.